The following is an entry in ClinVar:

NM_000053.4(ATP7B):c.1470C>A (p.Cys490Ter)

Gene: ATP7B (ATPase copper transporting beta; minus strand). Cytogenetic location: 13q14.3.
Variant type: single nucleotide variant.
Coding change: c.1470C>A on transcript NM_000053.4 (MANE Select); coding-DNA position 1470, C replaced by A.
Protein change: p.Cys490Ter; replaces cysteine 490 with a stop codon.
Molecular consequence: nonsense.
Genome position (GRCh38, 1-based): chr13:51,970,565, G>T on the plus strand (C>A on the coding strand, the complement: ATP7B is on the minus strand). VCF-style: chr13-51970565-G-T. GRCh37 (hg19) VCF-style: chr13-52544701-G-T.
Other names: c.1470C>A, p.Cys490Ter (NM_001005918.3, NM_001330578.2, NM_001330579.2); c.1137C>A, p.Cys379Ter (NM_001243182.2); short protein forms C490*, C379*.
Identifiers: ClinVar variation 370319 (VCV000370319.14), dbSNP rs778675259, ClinGen allele CA6989342.

ClinVar aggregate classification (germline): Pathogenic/Likely pathogenic. Review status: criteria provided, multiple submitters, no conflicts (2 of 4 stars). 7 submissions from 7 submitters: Pathogenic (5); Likely pathogenic (1). 1 of the submissions does not count toward it. Last evaluated 2024-01-01.

Conditions:
Wilson disease (WND). Also called: Wilson's disease. Identifiers: Orphanet 905, MedGen C0019202, MONDO:0010200, OMIM 277900. Disease mechanism: loss of function.

Allele frequency attached by ClinVar (database versions not stated): ExAC 0.00001.

Submissions (7):

Chongqing Key Laboratory of Child Rare Diseases in Infection and Immunity, Children’s Hospital of Chongqing Medical University
Classification: Pathogenic for Wilson disease. Last evaluated: 2024-01-01. Review status: criteria provided, single submitter. Criteria: ACMG Guidelines, 2015. Collection method: clinical testing. Allele origin: germline. Inheritance: Autosomal recessive inheritance. Affected: yes.
Comment: Classified as Pathogenic according to the ACMG/AMP 2015 guidelines (PMID:25741868). The classification was based on the available submitted evidence for Wilson disease (OMIM:277900), including clinical-testing observations, variant consequence/protein annotation, and published or ClinVar evidence where available. Supporting information considered: variant annotation: p.Cys490Ter; Nonsense; Protein domain: N-ter (MBD1-6); submitted notation: NM_000053.4:c.1470C>A (p.Cys490Ter); source variant type: Nonsense; source domain: N-ter (MBD1-6); allele count n=230: 3.

Labcorp Genetics (formerly Invitae), Labcorp
Classification: Pathogenic for Wilson disease. Last evaluated: 2022-08-05. Review status: criteria provided, single submitter. Criteria: Invitae Variant Classification Sherloc (09022015). Collection method: clinical testing. Allele origin: germline.
Comment: For these reasons, this variant has been classified as Pathogenic. ClinVar contains an entry for this variant (Variation ID: 370319). This premature translational stop signal has been observed in individual(s) with ATP7B-related conditions (PMID: 9829905, 30366773). This variant is not present in population databases (gnomAD no frequency). This sequence change creates a premature translational stop signal (p.Cys490*) in the ATP7B gene. It is expected to result in an absent or disrupted protein product. Loss-of-function variants in ATP7B are known to be pathogenic (PMID: 10441329, 16283883).

Genome-Nilou Lab
Classification: Likely pathogenic for Wilson disease. Last evaluated: 2021-08-10. Review status: criteria provided, single submitter. Criteria: ACMG Guidelines, 2015. Collection method: clinical testing. Allele origin: germline. Affected: no.

Fulgent Genetics
Classification: Pathogenic for Wilson disease. Last evaluated: 2021-08-06. Review status: criteria provided, single submitter. Criteria: ACMG Guidelines, 2015. Collection method: clinical testing. Allele origin: unknown.

Women's Health and Genetics/Laboratory Corporation of America, LabCorp
Classification: Pathogenic for Wilson disease. Last evaluated: 2018-12-10. Review status: criteria provided, single submitter. Criteria: LabCorp Variant Classification Summary - May 2015. Collection method: clinical testing. Allele origin: germline.
Comment: Variant summary: ATP7B c.1470C>A (p.Cys490X) results in a premature termination codon, predicted to cause a truncation of the encoded protein or absence of the protein due to nonsense mediated decay, which are commonly known mechanisms for disease. Truncations downstream of this position have been classified as pathogenic by our laboratory (eg. p.Gln511X, p.Ile582fsX25, p.Gln717X). The variant was absent in 246092 control chromosomes. c.1470C>A has been reported in the literature in multiple individuals affected with Wilson Disease (Tsai_1999, Cheng_2017). These data indicate that the variant is very likely to be associated with disease. One clinical diagnostic laboratory has submitted clinical-significance assessments for this variant to ClinVar after 2014 without evidence for independent evaluation. One laboratory classified the variant as likely pathogenic. Based on the evidence outlined above, the variant was classified as pathogenic.

Juno Genomics, Hangzhou Juno Genomics, Inc
Classification: Pathogenic for Wilson disease. Review status: criteria provided, single submitter. Criteria: ACMG Guidelines, 2015. Collection method: clinical testing. Allele origin: germline. Affected: yes.
Comment: Absent from controls (or at extremely low frequency if recessive) in Genome Aggregation Database.;Null variant in a gene where loss of function (LOF) is a known mechanism of disease.;For recessive disorders, detected in trans with a pathogenic variant.;Patient's phenotype or family history is highly specific for a disease with a single genetic etiology.

Counsyl
Classification: Likely pathogenic for Wilson disease. Last evaluated: 2016-01-14. Review status: no assertion criteria provided. Collection method: clinical testing. Allele origin: unknown. Not counted in ClinVar's aggregate classification.

Literature cited by the submitters: PubMed 9829905 (cited by 3 submitters); PubMed 30366773 (cited by Labcorp Genetics (formerly Invitae), Labcorp); PubMed 10441329 (cited by Labcorp Genetics (formerly Invitae), Labcorp); PubMed 16283883 (cited by Labcorp Genetics (formerly Invitae), Labcorp); PubMed 27982432 (cited by Women's Health and Genetics/Laboratory Corporation of America, LabCorp); PubMed 25525159 (cited by Counsyl); PubMed 21034864 (cited by Counsyl); PubMed 21796144 (cited by Counsyl).